The following is an entry in ClinVar:

NM_006348.5(COG5):c.2112A>T (p.Pro704=)

Gene: COG5 (component of oligomeric golgi complex 5; minus strand). Cytogenetic location: 7q22.3.
Variant type: single nucleotide variant.
Coding change: c.2112A>T on transcript NM_006348.5 (MANE Select); coding-DNA position 2112, A replaced by T.
Protein change: p.Pro704=; no amino-acid change (proline 704 retained).
Molecular consequence: synonymous variant. On other transcripts: intron variant (1).
Genome position (GRCh38, 1-based): chr7:107,230,671, T>A on the plus strand (A>T on the coding strand, the complement: COG5 is on the minus strand). VCF-style: chr7-107230671-T-A. GRCh37 (hg19) VCF-style: chr7-106871116-T-A.
Other names: c.2112A>T, p.Pro704= (NM_001161520.2, NM_001379513.1); c.1950A>T, p.Pro650= (NM_001379511.1); c.1938A>T, p.Pro646= (NM_001379512.1); c.1542A>T, p.Pro514= (NM_001379515.1); c.1398A>T, p.Pro466= (NM_001379516.1); c.2049A>T, p.Pro683= (NM_181733.4); c.1853+17725A>T (NM_001379514.1).
Identifiers: ClinVar variation 513801 (VCV000513801.1), dbSNP rs774119226, ClinGen allele CA457175622.

ClinVar aggregate classification (germline): Likely benign (1 of 4 stars; one submission).

Allele frequency attached by ClinVar (database versions not stated): TOPMed 0.00001.
gnomAD v4.1: 1 of 1,612,598 alleles (0.000062%); highest among the groups gnomAD compares: East Asian, 0.0022%; no homozygotes.

Submission:

GeneDx
Classification: Likely benign. Last evaluated: 2017-12-21. Review status: criteria provided, single submitter. Criteria: GeneDx Variant Classification (06012015). Collection method: clinical testing. Allele origin: germline. Affected: yes.
Comment: This variant is considered likely benign or benign based on one or more of the following criteria: it is a conservative change, it occurs at a poorly conserved position in the protein, it is predicted to be benign by multiple in silico algorithms, and/or has population frequency not consistent with disease.